The following is an entry in ClinVar:

ClinVar aggregate classification (germline): Uncertain significance (1 of 4 stars; one submission).

Submission:

Labcorp Genetics (formerly Invitae), Labcorp
Classification: Uncertain significance. Last evaluated: 2024-12-04. Review status: criteria provided, single submitter. Criteria: Invitae Variant Classification Sherloc (09022015). Collection method: clinical testing. Allele origin: germline.
Comment: This sequence change replaces proline, which is neutral and non-polar, with leucine, which is neutral and non-polar, at codon 1383 of the GREB1L protein (p.Pro1383Leu). This variant is not present in population databases (gnomAD no frequency). This variant has not been reported in the literature in individuals affected with GREB1L-related conditions. An algorithm developed to predict the effect of missense changes on protein structure and function (PolyPhen-2) suggests that this variant is likely to be tolerated. In summary, the available evidence is currently insufficient to determine the role of this variant in disease. Therefore, it has been classified as a Variant of Uncertain Significance.

NM_001142966.3(GREB1L):c.4148C>T (p.Pro1383Leu)

Gene: GREB1L (GREB1 like retinoic acid receptor coactivator; plus strand). Cytogenetic location: 18q11.2.
Variant type: single nucleotide variant.
Coding change: c.4148C>T on transcript NM_001142966.3 (MANE Select); coding-DNA position 4148, C replaced by T.
Protein change: p.Pro1383Leu; replaces proline 1383 with leucine.
Molecular consequence: missense variant.
Genome position (GRCh38, 1-based): chr18:21,505,487, C>T. VCF-style: chr18-21505487-C-T. GRCh37 (hg19) VCF-style: chr18-19085448-C-T.
Other names: c.4277C>T, p.Pro1426Leu (NM_001410867.1); c.3821C>T, p.Pro1274Leu (NM_001410868.1); short protein forms P1383L, P1426L, P1274L.
Identifiers: ClinVar variation 3662373 (VCV003662373.2).